The following is an entry in ClinVar:

ClinVar aggregate classification (germline): Uncertain significance (1 of 4 stars; one submission).

Submission:

Labcorp Genetics (formerly Invitae), Labcorp
Classification: Uncertain significance. Last evaluated: 2023-02-24. Review status: criteria provided, single submitter. Criteria: Invitae Variant Classification Sherloc (09022015). Collection method: clinical testing. Allele origin: germline.
Comment: This variant is not present in population databases (gnomAD no frequency). This variant has not been reported in the literature in individuals affected with MYLK3-related conditions. In summary, the available evidence is currently insufficient to determine the role of this variant in disease. Therefore, it has been classified as a Variant of Uncertain Significance. This sequence change creates a premature translational stop signal (p.Asn646Argfs*23) in the MYLK3 gene. It is expected to result in an absent or disrupted protein product. However, the current clinical and genetic evidence is not sufficient to establish whether loss-of-function variants in MYLK3 cause disease.

NM_182493.3(MYLK3):c.1937_1940del (p.Asn646fs)

Gene: MYLK3 (myosin light chain kinase 3; minus strand). Cytogenetic location: 16q11.2.
Variant type: Deletion.
Coding change: c.1937_1940del on transcript NM_182493.3 (MANE Select); coding-DNA positions 1937 to 1940, 4 bases deleted (ATCA; older notation c.1937_1940delATCA).
Protein change: p.Asn646fs; shifts the reading frame from asparagine 646.
Molecular consequence: frameshift variant.
Genome position (GRCh38, 1-based): chr16:46,721,168-46,721,171, TGAT deleted on the plus strand (ATCA on the coding strand, the reverse complement: MYLK3 is on the minus strand); deleting any 4 consecutive bases within chr16:46,721,168-46,721,174 gives the same sequence; the c. name uses the placement nearest the transcript's 3' end. VCF-style (leftmost placement, unchanged base first): chr16-46721167-CTGAT-C. GRCh37 (hg19) VCF-style: chr16-46755079-CTGAT-C.
Other names: c.914_917del, p.Asn305fs (NM_001308301.1); short protein forms N305fs, N646fs.
Identifiers: ClinVar variation 2840456 (VCV002840456.3), dbSNP rs2548901654, ClinGen allele CA2633014629.